The following is an entry in ClinVar:

ClinVar aggregate classification (germline): Uncertain significance (1 of 4 stars; one submission).

Conditions:
Hereditary spastic paraplegia 30. Identifiers: Orphanet 101010, MedGen C5235139, MONDO:0012476.
Neuropathy, hereditary sensory, type 2C. Also called: Hereditary sensory and autonomic neuropathy type IIC; KIF1A-Related HSAN2 (HSAN2C). Identifiers: Orphanet 970, MedGen C3280168, MONDO:0013634, OMIM 614213.
Intellectual disability, autosomal dominant 9 (NESCAVS). Also called: NESCAV SYNDROME; KIF1A-Related Neurodevelopmental Disorder. Identifiers: Orphanet 662367, MedGen C5393830, MONDO:0013656, OMIM 614255.

Submission:

Labcorp Genetics (formerly Invitae), Labcorp
Classification: Uncertain significance for Hereditary spastic paraplegia 30; Neuropathy, hereditary sensory, type 2C; Intellectual disability, autosomal dominant 9. Last evaluated: 2022-12-03. Review status: criteria provided, single submitter. Criteria: Invitae Variant Classification Sherloc (09022015). Collection method: clinical testing. Allele origin: germline.
Comment: This sequence change replaces valine, which is neutral and non-polar, with isoleucine, which is neutral and non-polar, at codon 495 of the KIF1A protein (p.Val495Ile). In summary, the available evidence is currently insufficient to determine the role of this variant in disease. Therefore, it has been classified as a Variant of Uncertain Significance. Advanced modeling of protein sequence and biophysical properties (such as structural, functional, and spatial information, amino acid conservation, physicochemical variation, residue mobility, and thermodynamic stability) performed at Invitae indicates that this missense variant is expected to disrupt KIF1A protein function. This variant has not been reported in the literature in individuals affected with KIF1A-related conditions. This variant is not present in population databases (gnomAD no frequency).

NM_001244008.2(KIF1A):c.1510G>A (p.Val504Ile)

Gene: KIF1A (kinesin family member 1A; minus strand). Cytogenetic location: 2q37.3.
Variant type: single nucleotide variant.
Coding change: c.1510G>A on transcript NM_001244008.2 (MANE Select); coding-DNA position 1510, G replaced by A.
Protein change: p.Val504Ile; replaces valine 504 with isoleucine.
Molecular consequence: missense variant.
Genome position (GRCh38, 1-based): chr2:240,767,333, C>T on the plus strand (G>A on the coding strand, the complement: KIF1A is on the minus strand). VCF-style: chr2-240767333-C-T. GRCh37 (hg19) VCF-style: chr2-241706750-C-T.
Other names: c.1510G>A, p.Val504Ile (NM_001320705.2, NM_001330289.2, NM_001379638.1); c.1585G>A, p.Val529Ile (NM_001330290.2, NM_001379631.1, NM_001379634.1 and 2 more transcripts); c.1483G>A, p.Val495Ile (NM_001379632.1, NM_001379633.1, NM_001379636.1 and 11 more transcripts); c.1558G>A, p.Val520Ile (NM_001379637.1, NM_001379648.1); short protein forms V504I, V520I, V495I, V529I.
Identifiers: ClinVar variation 2017452 (VCV002017452.4), dbSNP rs1275774750, ClinGen allele CA351328636.